The following is an entry in ClinVar:

NM_014946.4(SPAST):c.1076TTC[1] (p.Leu360del)

Gene: SPAST (spastin; plus strand). Cytogenetic location: 2p22.3.
Variant type: Microsatellite.
Coding change: c.1076TTC[1] on transcript NM_014946.4 (MANE Select); one copy of the 3-base unit TTC starting at c.1076; the reference has two copies in a row; one copy, 3 bases deleted.
Protein change: p.Leu360del; deletes leucine 360.
Molecular consequence: inframe deletion. On other transcripts: inframe indel (1).
Genome position (GRCh38, 1-based): chr2:32,116,193-32,116,195, TTC deleted; deleting any 3 consecutive bases within chr2:32,116,190-32,116,195 gives the same sequence; the position shown is the placement nearest the transcript's 3' end. VCF-style (leftmost placement, unchanged base first): chr2-32116189-ATTC-A. GRCh37 (hg19) VCF-style: chr2-32341258-ATTC-A.
Other names: c.1073TTC[1], p.Leu359del (NM_001363823.2); c.977TTC[1], p.Leu327del (NM_001363875.2); c.980TTC[1], p.Leu328del (NM_001377959.1, NM_199436.2); c.1076_1078TTC[1], p.Leu360del (NM_014946.3); c.1079_1081delTTC (NM_014946.3); short protein forms L327del, L328del, L359del, L360del.
Identifiers: ClinVar variation 2504055 (VCV002504055.1), dbSNP rs2465839837, ClinGen allele CA2580611617.

ClinVar aggregate classification (germline): Uncertain significance (1 of 4 stars; one submission).

Submission:

Women's Health and Genetics/Laboratory Corporation of America, LabCorp
Classification: Uncertain significance. Last evaluated: 2023-04-10. Review status: criteria provided, single submitter. Criteria: LabCorp Variant Classification Summary - May 2015. Collection method: clinical testing. Allele origin: germline.
Comment: Variant summary: SPAST c.1079_1081delTTC (p.Leu360del) results in an in-frame deletion that is predicted to remove one amino acid from the encoded protein. The variant was absent in 251140 control chromosomes (gnomAD). The available data on variant occurrences in the general population are insufficient to allow any conclusion about variant significance. To our knowledge, no occurrence of c.1079_1081delTTC in individuals affected with Spastic Paraplegia 4, Autosomal Dominant and no experimental evidence demonstrating its impact on protein function have been reported. No clinical diagnostic laboratories have submitted clinical-significance assessments for this variant to ClinVar after 2014. Based on the evidence outlined above, the variant was classified as uncertain significance.